The following is an entry in ClinVar:

NM_015001.3(SPEN):c.8905G>A (p.Glu2969Lys)

Gene: SPEN (spen family transcriptional repressor; plus strand). Cytogenetic location: 1p36.13.
Variant type: single nucleotide variant.
Coding change: c.8905G>A on transcript NM_015001.3 (MANE Select); coding-DNA position 8905, G replaced by A.
Protein change: p.Glu2969Lys; replaces glutamic acid 2969 with lysine.
Molecular consequence: missense variant.
Genome position (GRCh38, 1-based): chr1:15,935,145, G>A. VCF-style: chr1-15935145-G-A. GRCh37 (hg19) VCF-style: chr1-16261640-G-A.
Other names: short protein forms E2969K.
Identifiers: ClinVar variation 4686981 (VCV004686981.1).

ClinVar aggregate classification (germline): Uncertain significance (1 of 4 stars; one submission).

gnomAD v4.1: 3 of 1,613,842 alleles (0.00019%); highest among the groups gnomAD compares: Non-Finnish European, 0.00025%; no homozygotes.

Submission:

GeneDx
Classification: Uncertain significance. Last evaluated: 2025-07-23. Review status: criteria provided, single submitter. Criteria: GeneDx Variant Classification Process June 2021. Collection method: clinical testing. Allele origin: germline. Affected: yes.
Comment: Not observed at significant frequency in large population cohorts (gnomAD); In silico analysis suggests that this missense variant does not alter protein structure/function; Has not been previously published as pathogenic or benign to our knowledge